The following is an entry in ClinVar:

ClinVar aggregate classification (germline): Conflicting classifications of pathogenicity. Review status: criteria provided, conflicting classifications (1 of 4 stars). 4 submissions from 4 submitters: Uncertain significance (3); Likely benign (1). Last evaluated 2022-05-09.

Conditions:
Infantile-onset X-linked spinal muscular atrophy. Also called: Spinal Muscular Atrophy, X-Linked Infantile; AMC, DISTAL, X-LINKED; ARTHROGRYPOSIS, X-LINKED, TYPE I; SPINAL MUSCULAR ATROPHY, X-LINKED LETHAL INFANTILE; Spinal muscular atrophy, X-linked 2. Identifiers: Orphanet 1145, MedGen C1844934, MONDO:0010532, OMIM 301830.
VEXAS syndrome. Identifiers: Orphanet 596753, MedGen C5435753, MONDO:0026777, OMIM 301054.
Inborn genetic diseases. Identifiers: MedGen C0950123, MeSH D030342.

Allele frequency attached by ClinVar (database versions not stated): gnomAD exomes 0.00001; TOPMed 0.00001.
gnomAD v4.1: 6 of 1,204,215 alleles (0.0005%); highest among the groups gnomAD compares: East Asian, 0.003%; no homozygotes.

Submissions (4):

Labcorp Genetics (formerly Invitae), Labcorp
Classification: Uncertain significance for Infantile-onset X-linked spinal muscular atrophy. Last evaluated: 2022-05-09. Review status: criteria provided, single submitter. Criteria: Invitae Variant Classification Sherloc (09022015). Collection method: clinical testing. Allele origin: germline.
Comment: In summary, the available evidence is currently insufficient to determine the role of this variant in disease. Therefore, it has been classified as a Variant of Uncertain Significance. Algorithms developed to predict the effect of missense changes on protein structure and function (SIFT, PolyPhen-2, Align-GVGD) all suggest that this variant is likely to be tolerated. This variant has not been reported in the literature in individuals affected with UBA1-related conditions. The frequency data for this variant in the population databases is considered unreliable, as metrics indicate poor data quality at this position in the gnomAD database. This sequence change replaces arginine, which is basic and polar, with glutamine, which is neutral and polar, at codon 174 of the UBA1 protein (p.Arg174Gln).

Fulgent Genetics
Classification: Uncertain significance for VEXAS syndrome; Infantile-onset X-linked spinal muscular atrophy. Last evaluated: 2022-01-24. Review status: criteria provided, single submitter. Criteria: ACMG Guidelines, 2015. Collection method: clinical testing. Allele origin: unknown.

Ambry Genetics
Classification: Uncertain significance for Inborn genetic diseases. Last evaluated: 2021-02-17. Review status: criteria provided, single submitter. Criteria: Ambry Variant Classification Scheme 2023. Collection method: clinical testing. Allele origin: germline.
Comment: The p.R174Q variant (also known as c.521G>A), located in coding exon 5 of the UBA1 gene, results from a G to A substitution at nucleotide position 521. The arginine at codon 174 is replaced by glutamine, an amino acid with highly similar properties. Based on data from gnomAD, the A allele has an overall frequency of 0.0006% (1/163,879) total alleles studied, with 1 hemizygote observed. The highest observed frequency was 0.009% (1/11,672) of African/African American alleles. This amino acid position is well conserved in available vertebrate species. In addition, this alteration is predicted to be tolerated by in silico analysis. Since supporting evidence is limited at this time, the clinical significance of this alteration remains unclear.

Dr.Nikuei Genetic Center
Classification: Likely benign for Infantile-onset X-linked spinal muscular atrophy. Review status: criteria provided, single submitter. Criteria: ACMG Guidelines, 2015. Collection method: clinical testing. Allele origin: germline. Inheritance: X-linked recessive inheritance. Affected: no. Observed: 1 homozygote.

NM_003334.4(UBA1):c.521G>A (p.Arg174Gln)

Gene: UBA1 (ubiquitin like modifier activating enzyme 1; plus strand). Cytogenetic location: Xp11.3.
Variant type: single nucleotide variant.
Coding change: c.521G>A on transcript NM_003334.4 (MANE Select); coding-DNA position 521, G replaced by A.
Protein change: p.Arg174Gln; replaces arginine 174 with glutamine.
Molecular consequence: missense variant.
Genome position (GRCh38, 1-based): chrX:47,200,934, G>A. VCF-style: chrX-47200934-G-A. GRCh37 (hg19) VCF-style: chrX-47060333-G-A.
Other names: c.521G>A, p.Arg174Gln (NM_153280.3); short protein forms R174Q.
Identifiers: ClinVar variation 1490238 (VCV001490238.11), dbSNP rs1556787651, ClinGen allele CA412791831.
Genomic context (GRCh38, chrX:47,200,934, plus strand): 5'-GAGCCTCCATCTCTCCACAGGTGGTGGTGCTCACCAACACCCCCCTGGAGGACCAGCTGC[G>A]AGTGGGTGAGTTCTGTCACAACCGTGGCATCAAGCTGGTGGTGGCAGACACGCGGGGCCT-3'
Protein context (NP_003325.2, residues 164-184): LTNTPLEDQL[Arg174Gln]VGEFCHNRGI